The following is an entry in ClinVar:

NM_006939.4(SOS2):c.1508A>C (p.Glu503Ala)

Gene: SOS2 (SOS Ras/Rho guanine nucleotide exchange factor 2; minus strand). Cytogenetic location: 14q21.3.
Variant type: single nucleotide variant.
Coding change: c.1508A>C on transcript NM_006939.4 (MANE Select); coding-DNA position 1508, A replaced by C.
Protein change: p.Glu503Ala; replaces glutamic acid 503 with alanine.
Molecular consequence: missense variant.
Genome position (GRCh38, 1-based): chr14:50,159,775, T>G on the plus strand (A>C on the coding strand, the complement: SOS2 is on the minus strand). VCF-style: chr14-50159775-T-G. GRCh37 (hg19) VCF-style: chr14-50626493-T-G.
Other names: c.1409A>C, p.Glu470Ala (NM_001411020.1); short protein forms E470A, E503A.
Identifiers: ClinVar variation 4801989 (VCV004801989.1).
Genomic context (GRCh38, chr14:50,159,775, plus strand): 5'-ATTATGCTGTTCTCATCTTTGGATACTAATTCAAATGCATGCTTGTGCTCACAAGTATCT[T>G]CTTTATCACAAATTTGTATTTTCCTCATGACAAATTTTTCTTTTAACCTGTATTCTGCAC-3'
Protein context (NP_008870.2, residues 493-513): VMRKIQICDK[Glu503Ala]DTCEHKHAFE

ClinVar aggregate classification (germline): Uncertain significance (1 of 4 stars; one submission).

Conditions:
Noonan syndrome 9 (NS9). Identifiers: Orphanet 648, MedGen C4225282, MONDO:0014691, OMIM 616559.

gnomAD v4.1: 1 of 1,614,054 alleles (0.000062%); highest among the groups gnomAD compares: Non-Finnish European, 0.000085%; no homozygotes.

Submission:

Labcorp Genetics (formerly Invitae), Labcorp
Classification: Uncertain significance for Noonan syndrome 9. Last evaluated: 2025-11-28. Review status: criteria provided, single submitter. Criteria: Invitae Variant Classification Sherloc (09022015). Collection method: clinical testing. Allele origin: germline.
Comment: This sequence change replaces glutamic acid, which is acidic and polar, with alanine, which is neutral and non-polar, at codon 503 of the SOS2 protein (p.Glu503Ala). This variant is present in population databases (rs763932554, gnomAD 0.0009%). This variant has not been reported in the literature in individuals affected with SOS2-related conditions. Invitae Evidence Modeling of protein sequence and biophysical properties (such as structural, functional, and spatial information, amino acid conservation, physicochemical variation, residue mobility, and thermodynamic stability) indicates that this missense variant is not expected to disrupt SOS2 protein function with a negative predictive value of 95%. In summary, the available evidence is currently insufficient to determine the role of this variant in disease. Therefore, it has been classified as a Variant of Uncertain Significance.